The following is an entry in ClinVar:

ClinVar aggregate classification (germline): Uncertain significance. Review status: criteria provided, multiple submitters, no conflicts (2 of 4 stars). 2 submissions from 2 submitters: Uncertain significance (2). Last evaluated 2024-10-21.

Conditions:
Hereditary cancer-predisposing syndrome. Also called: Neoplastic Syndromes, Hereditary; Tumor predisposition; Hereditary Cancer Syndrome; Hereditary neoplastic syndrome. Identifiers: Orphanet 140162, MedGen C0027672, MeSH D009386, MONDO:0015356.
Familial cancer of breast. Also called: BREAST CANCER, FAMILIAL; Hereditary breast cancer; hereditary breast carcinoma. Identifiers: Orphanet 227535, MedGen C0346153, MONDO:0016419, OMIM 114480. Disease mechanism: loss of function.

Submissions (2):

Labcorp Genetics (formerly Invitae), Labcorp
Classification: Uncertain significance for Familial cancer of breast. Last evaluated: 2024-10-21. Review status: criteria provided, single submitter. Criteria: Invitae Variant Classification Sherloc (09022015). Collection method: clinical testing. Allele origin: germline.
Comment: This sequence change replaces glutamic acid, which is acidic and polar, with alanine, which is neutral and non-polar, at codon 1024 of the PALB2 protein (p.Glu1024Ala). This variant is not present in population databases (gnomAD no frequency). This variant has not been reported in the literature in individuals affected with PALB2-related conditions. Invitae Evidence Modeling of protein sequence and biophysical properties (such as structural, functional, and spatial information, amino acid conservation, physicochemical variation, residue mobility, and thermodynamic stability) indicates that this missense variant is expected to disrupt PALB2 protein function with a positive predictive value of 80%. In summary, the available evidence is currently insufficient to determine the role of this variant in disease. Therefore, it has been classified as a Variant of Uncertain Significance.

Ambry Genetics
Classification: Uncertain significance for Hereditary cancer-predisposing syndrome. Last evaluated: 2024-09-02. Review status: criteria provided, single submitter. Criteria: Ambry Variant Classification Scheme 2023. Collection method: clinical testing. Allele origin: germline.
Comment: The p.E1024A variant (also known as c.3071A>C), located in coding exon 10 of the PALB2 gene, results from an A to C substitution at nucleotide position 3071. The glutamic acid at codon 1024 is replaced by alanine, an amino acid with dissimilar properties. This amino acid position is conserved. In addition, this alteration is predicted to be tolerated by in silico analysis. Based on the available evidence, the clinical significance of this variant remains unclear.

NM_024675.4(PALB2):c.3071A>C (p.Glu1024Ala)

Gene: PALB2 (partner and localizer of BRCA2; minus strand). Cytogenetic location: 16p12.2.
Variant type: single nucleotide variant.
Coding change: c.3071A>C on transcript NM_024675.4 (MANE Select); coding-DNA position 3071, A replaced by C.
Protein change: p.Glu1024Ala; replaces glutamic acid 1024 with alanine.
Molecular consequence: missense variant. On other transcripts: intron variant (1).
Genome position (GRCh38, 1-based): chr16:23,621,404, T>G on the plus strand (A>C on the coding strand, the complement: PALB2 is on the minus strand). VCF-style: chr16-23621404-T-G. GRCh37 (hg19) VCF-style: chr16-23632725-T-G.
Other names: c.3011A>C, p.Glu1004Ala (NM_001407296.1); c.2999A>C, p.Glu1000Ala (NM_001407297.1); c.2909A>C, p.Glu970Ala (NM_001407298.1, NM_001407302.1); c.3071A>C, p.Glu1024Ala (NM_001407299.1, NM_001407301.1); c.2186A>C, p.Glu729Ala (NM_001407304.1, NM_001407305.1, NM_001407306.1 and 4 more transcripts); c.2024A>C, p.Glu675Ala (NM_001407307.1); c.1283A>C, p.Glu428Ala (NM_001407312.1, NM_001407313.1); c.605A>C, p.Glu202Ala (NM_001407314.1); and 1 more; short protein forms E1024A, E729A, E970A, E1000A, E1004A, E202A, E428A, E675A.
Identifiers: ClinVar variation 3413462 (VCV003413462.3).